The following is an entry in ClinVar:

ClinVar aggregate classification (germline): Uncertain significance (1 of 4 stars; one submission).

gnomAD v4.1: 5 of 1,613,690 alleles (0.00031%); highest among the groups gnomAD compares: Non-Finnish European, 0.00042%; no homozygotes.

Submission:

Mayo Clinic Laboratories, Mayo Clinic
Classification: Uncertain significance. Last evaluated: 2025-09-25. Review status: criteria provided, single submitter. Criteria: ACMG Guidelines, 2015. Collection method: clinical testing. Allele origin: germline. Observed: 1 variant allele.
Comment: BP4_moderate

NM_001267550.2(TTN):c.86691C>A (p.Asn28897Lys)

Genes: TTN (titin; minus strand), TTN-AS1 (TTN antisense RNA 1; plus strand). Cytogenetic location: 2q31.2.
Variant type: single nucleotide variant.
Coding change: c.86691C>A on transcript NM_001267550.2 (MANE Select); coding-DNA position 86691, C replaced by A.
Protein change: p.Asn28897Lys; replaces asparagine 28897 with lysine.
Molecular consequence: missense variant.
Genome position (GRCh38, 1-based): chr2:178,559,441, G>T on the plus strand (C>A on the coding strand, the complement: TTN is on the minus strand). VCF-style: chr2-178559441-G-T. GRCh37 (hg19) VCF-style: chr2-179424168-G-T.
Other names: p.Asn27256Lys; c.81768C>A, p.Asn27256Lys (NM_001256850.1); c.59496C>A, p.Asn19832Lys (NM_003319.4); c.78987C>A, p.Asn26329Lys (NM_133378.4); c.59871C>A, p.Asn19957Lys (NM_133432.3); c.60072C>A, p.Asn20024Lys (NM_133437.4); short protein forms N19832K, N28897K, N26329K, N27256K, N19957K, N20024K.
Identifiers: ClinVar variation 4540708 (VCV004540708.1).
Genomic context (GRCh38, chr2:178,559,441, plus strand): 5'-GAAGTAATAGATAGCTCCTTCTTGTAAATTGGTAACTTTGTAGGAGAGGCGGTTACAGTT[G>T]TTGGTCACAGAGACCCATGCTTTCTTGCTGGCCTCACGTTTTTCTATGTGGTAATTCTTC-3'
Protein context (NP_001254479.2, residues 28887-28907): ASKKAWVSVT[Asn28897Lys]NCNRLSYKVT